The following is an entry in ClinVar:

ClinVar aggregate classification (germline): Pathogenic/Likely pathogenic. Review status: criteria provided, multiple submitters, no conflicts (2 of 4 stars). 4 submissions from 4 submitters: Pathogenic (1); Likely pathogenic (1). 2 of the submissions do not count toward it. Last evaluated 2024-02-09.

Conditions:
Diamond-Blackfan anemia. Also called: Blackfan Diamond syndrome; Aregenerative anemia chronic congenital; Red cell aplasia, pure hereditary; Congenital hypoplastic anemia; Aase syndrome. Identifiers: Orphanet 124, MedGen C1260899, MeSH D029503, MONDO:0015253, HP:0004810.
GATA binding protein 1 related thrombocytopenia with dyserythropoiesis. Also called: GATA1-Related Cytopenia; GATA1-Related X-Linked Cytopenia. Identifiers: MedGen C1845837, MONDO:0100089.
Thrombocytopenia, X-linked, with or without dyserythropoietic anemia (XLTDA). Identifiers: Orphanet 67044, MedGen C3550789, MONDO:0010308, OMIM 300367.
X-linked dyserythropoetic anemia with abnormal platelets and neutropenia. Also called: ANEMIA, X-LINKED, WITH OR WITHOUT NEUTROPENIA AND/OR PLATELET ABNORMALITIES. Identifiers: Orphanet 363727, MedGen C3550856, MONDO:0010444, OMIM 300835.

Submissions (4):

Department of Human Genetics, Hannover Medical School
Classification: Likely pathogenic for X-linked dyserythropoetic anemia with abnormal platelets and neutropenia. Last evaluated: 2024-02-09. Review status: criteria provided, single submitter. Criteria: ACMG Guidelines, 2015. Collection method: clinical testing. Allele origin: germline. Affected: yes.

Labcorp Genetics (formerly Invitae), Labcorp
Classification: Pathogenic for GATA binding protein 1 related thrombocytopenia with dyserythropoiesis; Diamond-Blackfan anemia. Last evaluated: 2023-02-18. Review status: criteria provided, single submitter. Criteria: Invitae Variant Classification Sherloc (09022015). Collection method: clinical testing. Allele origin: germline.
Comment: This sequence change affects the initiator methionine of the GATA1 mRNA. The next in-frame methionine is located at codon 84. This variant is not present in population databases (gnomAD no frequency). Disruption of the initiator codon has been observed in individual(s) with Diamond-Blackfan anemia (PMID: 24453067, 24952648, 29146883). For these reasons, this variant has been classified as Pathogenic. Experimental studies have shown that disruption of the initiator codon affects GATA1 function (PMID: 20729467, 24952648). Algorithms developed to predict the effect of variants on protein structure and function are not available or were not evaluated for this variant. ClinVar contains an entry for this variant (Variation ID: 156265).

OMIM
Classification: Pathogenic for ANEMIA, X-LINKED, WITH OR WITHOUT NEUTROPENIA AND/OR PLATELET ABNORMALITIES. Last evaluated: 2014-07-01. Review status: no assertion criteria provided. Collection method: literature only. Allele origin: germline. Not counted in ClinVar's aggregate classification.

GeneReviews
No classification provided. Condition: Thrombocytopenia, X-linked, with or without dyserythropoietic anemia. Review status: no classification provided. Collection method: literature only. Allele origin: germline. Not counted in ClinVar's aggregate classification.
Comment: Obliterates initiation codon; alternative initiation Met84 residue is used, resulting in lack of full length cDNA

Literature cited by the submitters: PubMed 24453067 (cited by 3 submitters); PubMed 24952648 (cited by Labcorp Genetics (formerly Invitae), Labcorp and OMIM); PubMed 29146883 (cited by Labcorp Genetics (formerly Invitae), Labcorp); PubMed 20729467 (cited by Labcorp Genetics (formerly Invitae), Labcorp); PubMed 20301538 (cited by GeneReviews).

NM_002049.4(GATA1):c.2T>C (p.Met1Thr)

Gene: GATA1 (GATA binding protein 1; plus strand). Cytogenetic location: Xp11.23.
Variant type: single nucleotide variant.
Coding change: c.2T>C on transcript NM_002049.4 (MANE Select); coding-DNA position 2, T replaced by C.
Protein change: p.Met1Thr; changes the start codon (methionine 1).
Molecular consequence: missense variant, initiator codon variant.
Genome position (GRCh38, 1-based): chrX:48,791,111, T>C. VCF-style: chrX-48791111-T-C. GRCh37 (hg19) VCF-style: chrX-48649518-T-C.
Other names: NP_002040.1:p.Met1_Cys83del; 2T-C; short protein forms M1T.
Identifiers: ClinVar variation 156265 (VCV000156265.15), dbSNP rs587776451, ClinGen allele CA345934.